The following is an entry in ClinVar:

NM_001374828.1(ARID1B):c.3909G>A (p.Pro1303=)

Gene: ARID1B (AT-rich interaction domain 1B; plus strand). Cytogenetic location: 6q25.3.
Variant type: single nucleotide variant.
Coding change: c.3909G>A on transcript NM_001374828.1 (MANE Select); coding-DNA position 3909, G replaced by A.
Protein change: p.Pro1303=; no amino-acid change (proline 1303 retained).
Molecular consequence: synonymous variant.
Genome position (GRCh38, 1-based): chr6:157,184,425, G>A. VCF-style: chr6-157184425-G-A. GRCh37 (hg19) VCF-style: chr6-157505559-G-A.
Other names: c.3660G>A, p.Pro1220= (NM_001346813.1); c.1410G>A, p.Pro470= (NM_001363725.2); c.3789G>A, p.Pro1263= (NM_001371656.1, NM_001374820.1); c.3750G>A, p.Pro1250= (NM_017519.3); c.3540G>A, p.Pro1180= (NM_020732.3); c.3327G>A, p.Pro1109= (NM_175863.2).
Identifiers: ClinVar variation 2657063 (VCV002657063.25), dbSNP rs749937918, ClinGen allele CA4067422.

ClinVar aggregate classification (germline): Likely benign. Review status: criteria provided, multiple submitters, no conflicts (2 of 4 stars). 2 submissions from 2 submitters: Likely benign (2). Last evaluated 2023-01-01.

Allele frequency attached by ClinVar (database versions not stated): ExAC 0.00002; TOPMed 0.00003; gnomAD 0.00004.
gnomAD v4.1: 26 of 1,613,880 alleles (0.0016%); highest among the groups gnomAD compares: South Asian, 0.0055%; no homozygotes.

Submissions (2):

CeGaT Center for Human Genetics Tuebingen
Classification: Likely benign. Last evaluated: 2023-01-01. Review status: criteria provided, single submitter. Criteria: CeGaT Center For Human Genetics Tuebingen Variant Classification Criteria Version 2. Collection method: clinical testing. Allele origin: germline. Affected: yes. Observed: 2 variant alleles.
Comment: ARID1B: BP4, BP7

Blueprint Genetics
Classification: Likely benign. Last evaluated: 2020-09-17. Review status: criteria provided, single submitter. Criteria: ACMG Guidelines, 2015. Collection method: clinical testing. Allele origin: germline.